The following is an entry in ClinVar:

NM_177972.3(TUB):c.1216-2A>G

Genes: RIC3 (RIC3 acetylcholine receptor chaperone; minus strand), TUB (TUB bipartite transcription factor; plus strand). Cytogenetic location: 11p15.4.
Variant type: single nucleotide variant.
Coding change: c.1216-2A>G on transcript NM_177972.3 (MANE Select); the canonical splice acceptor site of the intron before coding-DNA position 1216, A replaced by G.
Molecular consequence: splice acceptor variant.
Genome position (GRCh38, 1-based): chr11:8,100,824, A>G. VCF-style: chr11-8100824-A-G. GRCh37 (hg19) VCF-style: chr11-8122371-A-G.
Other names: c.1234-2A>G (NM_001440538.1, NM_001440539.1); c.1066-2A>G (NM_001440540.1, NM_001440542.1); c.1381-2A>G (NM_003320.5); c.1048-2A>G (NM_001440541.1).
Identifiers: ClinVar variation 4991014 (VCV004991014.1).
Genomic context (GRCh38, chr11:8,100,824, plus strand): 5'-CTTTCTGGGGTGGTCATGGTGCCAAAGGCCTGGGCCTGGCTCAGGTGAGGCTGCCCTCCC[A>G]GGAGCATGAGACACTGCTAGCACGCTGGCAGAATAAGAACACGGAGAGTATCATCGAGCT-3'

ClinVar aggregate classification (germline): Likely pathogenic (1 of 4 stars; one submission).

Conditions:
TUB-related disorder. Also called: TUB-related condition.

gnomAD v4.1: 1 of 1,613,816 alleles (0.000062%); highest among the groups gnomAD compares: Non-Finnish European, 0.000085%; no homozygotes.

Submission:

PreventionGenetics, part of Exact Sciences
Classification: Likely pathogenic for TUB-related condition. Last evaluated: 2026-02-17. Review status: criteria provided, single submitter. Criteria: ACMG Guidelines, 2015. Collection method: clinical testing. Allele origin: germline.
Comment: The TUB c.1381-2A>G variant is predicted to disrupt the AG splice acceptor site and interfere with normal splicing. To our knowledge, this variant has not been reported in the literature or in a large population database (gnomAD), indicating this variant is rare. Variants that disrupt the consensus splice acceptor site in TUB are expected to be pathogenic. This variant is interpreted as likely pathogenic.